The following is an entry in ClinVar:

ClinVar aggregate classification (germline): Uncertain significance. Review status: criteria provided, multiple submitters, no conflicts (2 of 4 stars). 2 submissions from 2 submitters: Uncertain significance (2). Last evaluated 2025-08-14.

Conditions:
Gorlin syndrome. Also called: Nevoid Basal Cell Carcinoma Syndrome; Basal cell nevus syndrome. Identifiers: Orphanet 377, MedGen C0004779, MONDO:0007187.

Allele frequency attached by ClinVar (database versions not stated): gnomAD 0.00001; TOPMed 0.00001; ExAC 0.00002; gnomAD exomes 0.00002 and 0.00003.
gnomAD v4.1: 47 of 1,614,004 alleles (0.0029%); highest among the groups gnomAD compares: Non-Finnish European, 0.0035%; no homozygotes.

Submissions (2):

Ambry Genetics
Classification: Uncertain significance. Last evaluated: 2025-08-14. Review status: criteria provided, single submitter. Criteria: Ambry Variant Classification Scheme 2023. Collection method: clinical testing. Allele origin: germline.

Labcorp Genetics (formerly Invitae), Labcorp
Classification: Uncertain significance for Gorlin syndrome. Last evaluated: 2023-12-12. Review status: criteria provided, single submitter. Criteria: Invitae Variant Classification Sherloc (09022015). Collection method: clinical testing. Allele origin: germline.
Comment: This sequence change replaces leucine, which is neutral and non-polar, with phenylalanine, which is neutral and non-polar, at codon 855 of the PTCH2 protein (p.Leu855Phe). This variant is present in population databases (rs770833248, gnomAD 0.004%). This variant has not been reported in the literature in individuals affected with PTCH2-related conditions. ClinVar contains an entry for this variant (Variation ID: 1426862). Advanced modeling of protein sequence and biophysical properties (such as structural, functional, and spatial information, amino acid conservation, physicochemical variation, residue mobility, and thermodynamic stability) performed at Invitae indicates that this missense variant is not expected to disrupt PTCH2 protein function with a negative predictive value of 80%. In summary, the available evidence is currently insufficient to determine the role of this variant in disease. Therefore, it has been classified as a Variant of Uncertain Significance.

NM_003738.5(PTCH2):c.2563C>T (p.Leu855Phe)

Gene: PTCH2 (patched 2; minus strand). Cytogenetic location: 1p34.1.
Variant type: single nucleotide variant.
Coding change: c.2563C>T on transcript NM_003738.5 (MANE Select); coding-DNA position 2563, C replaced by T.
Protein change: p.Leu855Phe; replaces leucine 855 with phenylalanine.
Molecular consequence: missense variant.
Genome position (GRCh38, 1-based): chr1:44,827,034, G>A on the plus strand (C>T on the coding strand, the complement: PTCH2 is on the minus strand). VCF-style: chr1-44827034-G-A. GRCh37 (hg19) VCF-style: chr1-45292706-G-A.
Other names: c.2563C>T (NM_003738.4); c.2563C>T, p.Leu855Phe (NM_001166292.2); short protein forms L855F.
Identifiers: ClinVar variation 1426862 (VCV001426862.7), dbSNP rs770833248, ClinGen allele CA822964.